The following is an entry in ClinVar:

ClinVar aggregate classification (germline): Uncertain significance (1 of 4 stars; one submission).

Conditions:
Hereditary cancer-predisposing syndrome. Also called: Neoplastic Syndromes, Hereditary; Tumor predisposition; Hereditary Cancer Syndrome; Hereditary neoplastic syndrome. Identifiers: Orphanet 140162, MedGen C0027672, MeSH D009386, MONDO:0015356.

gnomAD v4.1: 1 of 1,614,118 alleles (0.000062%); highest among the groups gnomAD compares: Admixed American, 0.0017%; no homozygotes.

Submission:

Ambry Genetics
Classification: Uncertain significance for Hereditary cancer-predisposing syndrome. Last evaluated: 2026-01-03. Review status: criteria provided, single submitter. Criteria: Ambry Variant Classification Scheme 2023. Collection method: clinical testing. Allele origin: germline.
Comment: The p.E118G variant (also known as c.353A>G), located in coding exon 1 of the HOXB13 gene, results from an A to G substitution at nucleotide position 353. The glutamic acid at codon 118 is replaced by glycine, an amino acid with similar properties. This amino acid position is conserved. In addition, this alteration is predicted to be tolerated by in silico analysis. Based on the available evidence, the clinical significance of this variant remains unclear.

NM_006361.6(HOXB13):c.353A>G (p.Glu118Gly)

Gene: HOXB13 (homeobox B13; minus strand). Cytogenetic location: 17q21.32.
Variant type: single nucleotide variant.
Coding change: c.353A>G on transcript NM_006361.6 (MANE Select); coding-DNA position 353, A replaced by G.
Protein change: p.Glu118Gly; replaces glutamic acid 118 with glycine.
Molecular consequence: missense variant.
Genome position (GRCh38, 1-based): chr17:48,728,241, T>C on the plus strand (A>G on the coding strand, the complement: HOXB13 is on the minus strand). VCF-style: chr17-48728241-T-C. GRCh37 (hg19) VCF-style: chr17-46805603-T-C.
Other names: short protein forms E118G.
Identifiers: ClinVar variation 4841935 (VCV004841935.1).